The following is an entry in ClinVar:

NM_005876.5(SPEG):c.1589C>T (p.Pro530Leu)

Gene: SPEG (striated muscle enriched protein kinase; plus strand). Cytogenetic location: 2q35.
Variant type: single nucleotide variant.
Coding change: c.1589C>T on transcript NM_005876.5 (MANE Select); coding-DNA position 1589, C replaced by T.
Protein change: p.Pro530Leu; replaces proline 530 with leucine.
Molecular consequence: missense variant.
Genome position (GRCh38, 1-based): chr2:219,448,747, C>T. VCF-style: chr2-219448747-C-T. GRCh37 (hg19) VCF-style: chr2-220313469-C-T.
Other names: short protein forms P530L.
Identifiers: ClinVar variation 1522813 (VCV001522813.6), dbSNP rs1440670261, ClinGen allele CA350721990.

ClinVar aggregate classification (germline): Uncertain significance (1 of 4 stars; one submission).

Allele frequency attached by ClinVar (database versions not stated): TOPMed below 0.00001; gnomAD 0.00001.

Submission:

Labcorp Genetics (formerly Invitae), Labcorp
Classification: Uncertain significance. Last evaluated: 2021-10-15. Review status: criteria provided, single submitter. Criteria: Invitae Variant Classification Sherloc (09022015). Collection method: clinical testing. Allele origin: germline.
Comment: Algorithms developed to predict the effect of missense changes on protein structure and function are either unavailable or do not agree on the potential impact of this missense change (SIFT: "Deleterious"; PolyPhen-2: "Benign"; Align-GVGD: "Class C0"). In summary, the available evidence is currently insufficient to determine the role of this variant in disease. Therefore, it has been classified as a Variant of Uncertain Significance. This variant has not been reported in the literature in individuals affected with SPEG-related conditions. The frequency data for this variant in the population databases is considered unreliable, as metrics indicate insufficient coverage at this position in the ExAC database. This sequence change replaces proline with leucine at codon 530 of the SPEG protein (p.Pro530Leu). The proline residue is highly conserved and there is a moderate physicochemical difference between proline and leucine.